The following is an entry in ClinVar:

NM_014639.4(SKIC3):c.3937G>A (p.Asp1313Asn)

Gene: SKIC3 (SKI3 subunit of superkiller complex; minus strand). Cytogenetic location: 5q15.
Variant type: single nucleotide variant.
Coding change: c.3937G>A on transcript NM_014639.4 (MANE Select); coding-DNA position 3937, G replaced by A.
Protein change: p.Asp1313Asn; replaces aspartic acid 1313 with asparagine.
Molecular consequence: missense variant.
Genome position (GRCh38, 1-based): chr5:95,484,840, C>T on the plus strand (G>A on the coding strand, the complement: SKIC3 is on the minus strand). VCF-style: chr5-95484840-C-T. GRCh37 (hg19) VCF-style: chr5-94820544-C-T.
Other names: short protein forms D1313N.
Identifiers: ClinVar variation 1907381 (VCV001907381.4), dbSNP rs760622110, ClinGen allele CA122824659.
Genomic context (GRCh38, chr5:95,484,840, plus strand): 5'-CAGCTTGTGAGAGAGACCACTTTTCAAGGGACTGGTTGTAATTTTCAAAGAATTTTTCGT[C>T]TTTAACTGTAAACAAAAAATGTCAATGTTACTTTCTTCTGCAATTTATAATGTGTTCTTA-3'
Protein context (NP_055454.1, residues 1303-1323): LLSAVSASIK[Asp1313Asn]EKFFENYNQS

ClinVar aggregate classification (germline): Uncertain significance. Review status: criteria provided, multiple submitters, no conflicts (2 of 4 stars). 3 submissions from 3 submitters: Uncertain significance (2). 1 of the submissions does not count toward it. Last evaluated 2024-03-11.

Conditions:
SKIC3-related disorder. Also called: SKIC3-related condition.
Inborn genetic diseases. Identifiers: MedGen C0950123, MeSH D030342.

Allele frequency attached by ClinVar (database versions not stated): gnomAD 0.00001; gnomAD exomes 0.00001.
gnomAD v4.1: 6 of 1,613,848 alleles (0.00037%); highest among the groups gnomAD compares: Admixed American, 0.005%; no homozygotes.

Submissions (3):

Ambry Genetics
Classification: Uncertain significance for Inborn genetic diseases. Last evaluated: 2024-03-11. Review status: criteria provided, single submitter. Criteria: Ambry Variant Classification Scheme 2023. Collection method: clinical testing. Allele origin: germline.

Labcorp Genetics (formerly Invitae), Labcorp
Classification: Uncertain significance. Last evaluated: 2022-06-01. Review status: criteria provided, single submitter. Criteria: Invitae Variant Classification Sherloc (09022015). Collection method: clinical testing. Allele origin: germline.
Comment: This sequence change replaces aspartic acid, which is acidic and polar, with asparagine, which is neutral and polar, at codon 1313 of the TTC37 protein (p.Asp1313Asn). This variant is present in population databases (no rsID available, gnomAD 0.003%). This variant has not been reported in the literature in individuals affected with TTC37-related conditions. Algorithms developed to predict the effect of missense changes on protein structure and function output the following: SIFT: "Tolerated"; PolyPhen-2: "Benign"; Align-GVGD: "Class C0". The asparagine amino acid residue is found in multiple mammalian species, which suggests that this missense change does not adversely affect protein function. In summary, the available evidence is currently insufficient to determine the role of this variant in disease. Therefore, it has been classified as a Variant of Uncertain Significance.

PreventionGenetics, part of Exact Sciences
Classification: Uncertain significance for SKIC3-related condition. Last evaluated: 2024-07-18. Review status: no assertion criteria provided. Collection method: clinical testing. Allele origin: germline. Not counted in ClinVar's aggregate classification.
Comment: The SKIC3 c.3937G>A variant is predicted to result in the amino acid substitution p.Asp1313Asn. To our knowledge, this variant has not been reported in the literature. This variant is reported in 0.0029% of alleles in individuals of Latino descent in gnomAD. At this time, the clinical significance of this variant is uncertain due to the absence of conclusive functional and genetic evidence.